The following is an entry in ClinVar:

NM_001844.5(COL2A1):c.1711C>A (p.Pro571Thr)

Gene: COL2A1 (collagen type II alpha 1 chain; minus strand). Cytogenetic location: 12q13.11.
Variant type: single nucleotide variant.
Coding change: c.1711C>A on transcript NM_001844.5 (MANE Select); coding-DNA position 1711, C replaced by A.
Protein change: p.Pro571Thr; replaces proline 571 with threonine.
Molecular consequence: missense variant.
Genome position (GRCh38, 1-based): chr12:47,985,557, G>T on the plus strand (C>A on the coding strand, the complement: COL2A1 is on the minus strand). VCF-style: chr12-47985557-G-T. GRCh37 (hg19) VCF-style: chr12-48379340-G-T.
Other names: c.1504C>A, p.Pro502Thr (NM_033150.3); short protein forms P502T, P571T.
Identifiers: ClinVar variation 3897250 (VCV003897250.1).

ClinVar aggregate classification (germline): Uncertain significance (1 of 4 stars; one submission).

Submission:

GeneDx
Classification: Uncertain significance. Last evaluated: 2024-11-01. Review status: criteria provided, single submitter. Criteria: GeneDx Variant Classification Process June 2021. Collection method: clinical testing. Allele origin: germline. Affected: yes.
Comment: Not observed at significant frequency in large population cohorts (gnomAD); In silico analysis supports that this missense variant has a deleterious effect on protein structure/function; Occurs in the triple helical domain at the X position in the canonical Gly-X-Y repeat; although this variant may have an effect on normal protein folding and function, missense substitution at the X position is not a common mechanism of disease (HGMD); Has not been previously published as pathogenic or benign to our knowledge